The following is an entry in ClinVar:

NM_002661.5(PLCG2):c.3688G>A (p.Ala1230Thr)

Gene: PLCG2 (phospholipase C gamma 2; plus strand). Cytogenetic location: 16q23.3.
Variant type: single nucleotide variant.
Coding change: c.3688G>A on transcript NM_002661.5 (MANE Select); coding-DNA position 3688, G replaced by A.
Protein change: p.Ala1230Thr; replaces alanine 1230 with threonine.
Molecular consequence: missense variant.
Genome position (GRCh38, 1-based): chr16:81,956,812, G>A. VCF-style: chr16-81956812-G-A. GRCh37 (hg19) VCF-style: chr16-81990417-G-A.
Other names: short protein forms A1230T.
Identifiers: ClinVar variation 1499964 (VCV001499964.6), dbSNP rs989710468, ClinGen allele CA285204841.

ClinVar aggregate classification (germline): Uncertain significance (1 of 4 stars; one submission).

Conditions:
Familial cold autoinflammatory syndrome 3 (FCAS3). Also called: ANTIBODY DEFICIENCY AND IMMUNE DYSREGULATION, PLCG2-ASSOCIATED; FAMILIAL ATYPICAL COLD URTICARIA. Identifiers: Orphanet 300359, MedGen C3280914, MONDO:0013766, OMIM 614468.

Allele frequency attached by ClinVar (database versions not stated): gnomAD exomes below 0.00001.
gnomAD v4.1: 1 of 1,614,128 alleles (0.000062%); highest among the groups gnomAD compares: Non-Finnish European, 0.000085%; no homozygotes.

Submission:

Labcorp Genetics (formerly Invitae), Labcorp
Classification: Uncertain significance for Familial cold autoinflammatory syndrome 3. Last evaluated: 2025-03-10. Review status: criteria provided, single submitter. Criteria: Invitae Variant Classification Sherloc (09022015). Collection method: clinical testing. Allele origin: germline.
Comment: This sequence change replaces alanine, which is neutral and non-polar, with threonine, which is neutral and polar, at codon 1230 of the PLCG2 protein (p.Ala1230Thr). This variant is not present in population databases (gnomAD no frequency). This variant has not been reported in the literature in individuals affected with PLCG2-related conditions. ClinVar contains an entry for this variant (Variation ID: 1499964). An algorithm developed to predict the effect of missense changes on protein structure and function (PolyPhen-2) suggests that this variant is likely to be tolerated. In summary, the available evidence is currently insufficient to determine the role of this variant in disease. Therefore, it has been classified as a Variant of Uncertain Significance.